The following is an entry in ClinVar:

ClinVar aggregate classification (germline): Uncertain significance (1 of 4 stars; one submission).

Submission:

Ambry Genetics
Classification: Uncertain significance. Last evaluated: 2026-05-04. Review status: criteria provided, single submitter. Criteria: Ambry Variant Classification Scheme 2023. Collection method: clinical testing. Allele origin: germline.
Comment: The p.T206K variant (also known as c.617C>A), located in coding exon 1 of the CDK12 gene, results from a C to A substitution at nucleotide position 617. The threonine at codon 206 is replaced by lysine, an amino acid with similar properties. This amino acid position is conserved. In addition, this alteration is predicted to be tolerated by in silico analysis. Based on the available evidence, the clinical significance of this variant remains unclear.

NM_016507.4(CDK12):c.617C>A (p.Thr206Lys)

Genes: CDK12 (cyclin dependent kinase 12; plus strand), LOC126862553 (CDK7 strongly-dependent group 2 enhancer GRCh37_chr17:37618166-37619365; plus strand). Cytogenetic location: 17q12.
Variant type: single nucleotide variant.
Coding change: c.617C>A on transcript NM_016507.4 (MANE Select); coding-DNA position 617, C replaced by A.
Protein change: p.Thr206Lys; replaces threonine 206 with lysine.
Molecular consequence: missense variant.
Genome position (GRCh38, 1-based): chr17:39,462,688, C>A. VCF-style: chr17-39462688-C-A. GRCh37 (hg19) VCF-style: chr17-37618941-C-A.
Other names: c.617C>A, p.Thr206Lys (NM_015083.4); short protein forms T206K.
Identifiers: ClinVar variation 4868523 (VCV004868523.1).